The following is an entry in ClinVar:

NM_001024630.4(RUNX2):c.509A>C (p.Asn170Thr)

Gene: RUNX2 (RUNX family transcription factor 2; plus strand). Cytogenetic location: 6p21.1.
Variant type: single nucleotide variant.
Coding change: c.509A>C on transcript NM_001024630.4 (MANE Select); coding-DNA position 509, A replaced by C.
Protein change: p.Asn170Thr; replaces asparagine 170 with threonine.
Molecular consequence: missense variant.
Genome position (GRCh38, 1-based): chr6:45,431,948, A>C. VCF-style: chr6-45431948-A-C. GRCh37 (hg19) VCF-style: chr6-45399685-A-C.
Other names: c.509A>C, p.Asn170Thr (NM_001015051.4); c.467A>C, p.Asn156Thr (NM_001278478.2, NM_001369405.1); short protein forms N156T, N170T.
Identifiers: ClinVar variation 3344790 (VCV003344790.1).

ClinVar aggregate classification (germline): Uncertain significance (0 of 4 stars; one submission).

Conditions:
RUNX2-related disorder. Also called: RUNX2-related condition.

Submission:

PreventionGenetics, part of Exact Sciences
Classification: Uncertain significance for RUNX2-related condition. Last evaluated: 2024-06-01. Review status: no assertion criteria provided. Collection method: clinical testing. Allele origin: germline.
Comment: The RUNX2 c.509A>C variant is predicted to result in the amino acid substitution p.Asn170Thr. To our knowledge, this variant has not been reported in the literature or in a large population database, indicating this variant is rare. At this time, the clinical significance of this variant is uncertain due to the absence of conclusive functional and genetic evidence.